The following is an entry in ClinVar:

NM_003128.3(SPTBN1):c.5202+36A>G

Gene: SPTBN1 (spectrin beta, non-erythrocytic 1; plus strand). Cytogenetic location: 2p16.2.
Variant type: single nucleotide variant.
Coding change: c.5202+36A>G on transcript NM_003128.3 (MANE Select); 36 bases into the intron after coding-DNA position 5202, A replaced by G.
Molecular consequence: intron variant.
Genome position (GRCh38, 1-based): chr2:54,649,226, A>G. VCF-style: chr2-54649226-A-G. GRCh37 (hg19) VCF-style: chr2-54876363-A-G.
Other names: c.5163+36A>G (NM_178313.3).
Identifiers: ClinVar variation 4855951 (VCV004855951.1).

ClinVar aggregate classification (germline): Uncertain significance (1 of 4 stars; one submission).

Conditions:
Developmental delay, impaired speech, and behavioral abnormalities. Identifiers: MedGen C5561957, MONDO:0859178, OMIM 619475.

Submission:

3billion
Classification: Uncertain significance for Developmental delay, impaired speech, and behavioral abnormalities. Last evaluated: 2025-11-26. Review status: criteria provided, single submitter. Criteria: ACMG Guidelines, 2015. Collection method: clinical testing. Allele origin: germline. Affected: yes.
Comment: The variant is not observed in the gnomAD v4.1.0 dataset. Predicted Consequence/Location: Intron variant In silico tools predict the variant to alter splicing and produce an abnormal transcript [SpliceAI: 0.34 (>=0.2, moderate evidence for spliceogenicity)]. Therefore, this variant is classified as VUS according to the recommendation of ACMG/AMP guideline.